The following is an entry in ClinVar:

NM_000038.6(APC):c.6033A>T (p.Ser2011=)

Gene: APC (APC regulator of Wnt signaling pathway; plus strand). Cytogenetic location: 5q22.2.
Variant type: single nucleotide variant.
Coding change: c.6033A>T on transcript NM_000038.6 (MANE Select); coding-DNA position 6033, A replaced by T.
Protein change: p.Ser2011=; no amino-acid change (serine 2011 retained).
Molecular consequence: synonymous variant.
Genome position (GRCh38, 1-based): chr5:112,841,627, A>T. VCF-style: chr5-112841627-A-T. GRCh37 (hg19) VCF-style: chr5-112177324-A-T.
Other names: c.6033A>T, p.Ser2011= (NM_001127510.3, NM_001354895.2); c.5979A>T, p.Ser1993= (NM_001127511.3); c.6087A>T, p.Ser2029= (NM_001354896.2); c.6063A>T, p.Ser2021= (NM_001354897.2); c.5958A>T, p.Ser1986= (NM_001354898.2); c.5949A>T, p.Ser1983= (NM_001354899.2); c.5910A>T, p.Ser1970= (NM_001354900.2); c.5856A>T, p.Ser1952= (NM_001354901.2); and 5 more.
Identifiers: ClinVar variation 1134506 (VCV001134506.14), dbSNP rs750703971, ClinGen allele CA043803.
Genomic context (GRCh38, chr5:112,841,627, plus strand): 5'-GCCCCCTGACTCACAGGGAGAACCAAGTAAACCTCAAGCATCAGGCTATGCTCCTAAATC[A>T]TTTCATGTTGAAGATACCCCAGTTTGTTTCTCAAGAAACAGTTCTCTCAGTTCTCTTAGT-3'
Protein context (NP_000029.2, residues 2001-2021): KPQASGYAPK[Ser2011=]FHVEDTPVCF

ClinVar aggregate classification (germline): Conflicting classifications of pathogenicity. Review status: criteria provided, conflicting classifications (1 of 4 stars). 4 submissions from 4 submitters: Uncertain significance (1); Benign (1); Likely benign (2). Last evaluated 2024-04-08.

Conditions:
Classic or attenuated familial adenomatous polyposis. Identifiers: MedGen CN372698, MONDO:0021057.
Familial adenomatous polyposis 1 (FAP1). Also called: FAMILIAL ADENOMATOUS POLYPOSIS 1, ATTENUATED; POLYPOSIS, ADENOMATOUS INTESTINAL. Identifiers: MedGen C2713442, MONDO:0021056, OMIM 175100. Disease mechanism: loss of function.
Hereditary cancer-predisposing syndrome. Also called: Neoplastic Syndromes, Hereditary; Hereditary Cancer Syndrome; Tumor predisposition; Hereditary neoplastic syndrome. Identifiers: Orphanet 140162, MedGen C0027672, MeSH D009386, MONDO:0015356.

Allele frequency attached by ClinVar (database versions not stated): ExAC 0.00002.
gnomAD v4.1: 7 of 1,613,370 alleles (0.00043%); highest among the groups gnomAD compares: Non-Finnish European, 0.00059%; no homozygotes.

Submissions (4):

Labcorp Genetics (formerly Invitae), Labcorp
Classification: Likely benign for Familial adenomatous polyposis 1. Last evaluated: 2024-04-08. Review status: criteria provided, single submitter. Criteria: Invitae Variant Classification Sherloc (09022015). Collection method: clinical testing. Allele origin: germline.

Myriad Genetics, Inc.
Classification: Benign for Familial adenomatous polyposis 1. Last evaluated: 2024-04-03. Review status: criteria provided, single submitter. Criteria: Myriad Autosomal Dominant, Autosomal Recessive and X-Linked Classification Criteria (2023). Collection method: clinical testing. Allele origin: unknown.
Comment: This variant is considered benign. This variant is a silent/synonymous amino acid change and it is not expected to impact splicing.

All of Us Research Program, National Institutes of Health
Classification: Uncertain significance for Classic or attenuated familial adenomatous polyposis. Last evaluated: 2023-08-23. Review status: criteria provided, single submitter. Criteria: ACMG Guidelines, 2015. Collection method: clinical testing. Allele origin: germline. Inheritance: Autosomal dominant inheritance. Observed: 1 variant allele, 1 heterozygote.
Comment: This variant is located in the APC protein. To our knowledge, functional studies have not been reported for this variant. This variant has not been reported in individuals affected with APC-related disorders in the literature. This variant has been identified in 3/250140 chromosomes in the general population by the Genome Aggregation Database (gnomAD). The available evidence is insufficient to determine the role of this variant in disease conclusively. Therefore, this variant is classified as a Variant of Uncertain Significance.

This study involves interpretation of variants in research participants for the purpose of population health screening. Participant phenotype was not available at the time of variant classification. Additional details can be found in publication PMID: 35346344, PMCID: PMC8962531

Ambry Genetics
Classification: Likely benign for Hereditary cancer-predisposing syndrome. Last evaluated: 2022-03-16. Review status: criteria provided, single submitter. Criteria: Ambry Variant Classification Scheme 2023. Collection method: clinical testing. Allele origin: germline.